The following is an entry in ClinVar:

ClinVar aggregate classification (germline): Uncertain significance (1 of 4 stars; one submission).

Conditions:
Parkinsonism-dystonia, infantile. Identifiers: Orphanet 238455, MedGen C2751067, MONDO:0013150.

Allele frequency attached by ClinVar (database versions not stated): ExAC 0.00001; gnomAD exomes 0.00001 and 0.00002; TOPMed 0.00002.
gnomAD v4.1: 34 of 1,610,534 alleles (0.0021%); highest among the groups gnomAD compares: Non-Finnish European, 0.0025%; no homozygotes.

Submission:

Labcorp Genetics (formerly Invitae), Labcorp
Classification: Uncertain significance for Parkinsonism-dystonia, infantile. Last evaluated: 2022-08-09. Review status: criteria provided, single submitter. Criteria: Invitae Variant Classification Sherloc (09022015). Collection method: clinical testing. Allele origin: germline.
Comment: In summary, the available evidence is currently insufficient to determine the role of this variant in disease. Therefore, it has been classified as a Variant of Uncertain Significance. Algorithms developed to predict the effect of missense changes on protein structure and function (SIFT, PolyPhen-2, Align-GVGD) all suggest that this variant is likely to be tolerated. ClinVar contains an entry for this variant (Variation ID: 1491642). This variant has not been reported in the literature in individuals affected with SLC6A3-related conditions. This variant is present in population databases (rs75916702, gnomAD 0.003%). This sequence change replaces valine, which is neutral and non-polar, with isoleucine, which is neutral and non-polar, at codon 471 of the SLC6A3 protein (p.Val471Ile).

NM_001044.5(SLC6A3):c.1411G>A (p.Val471Ile)

Gene: SLC6A3 (solute carrier family 6 member 3). Cytogenetic location: 5p15.33.
Variant type: single nucleotide variant.
Coding change: c.1411G>A on transcript NM_001044.5 (MANE Select); coding-DNA position 1411, G replaced by A.
Protein change: p.Val471Ile; replaces valine 471 with isoleucine.
Molecular consequence: missense variant.
Genome position (GRCh38, 1-based): chr5:1,409,113, C>T on the plus strand (G>A on the coding strand, the complement: SLC6A3 is on the minus strand). VCF-style: chr5-1409113-C-T. GRCh37 (hg19) VCF-style: chr5-1409228-C-T.
Other names: short protein forms V471I.
Identifiers: ClinVar variation 1491642 (VCV001491642.6), dbSNP rs75916702, ClinGen allele CA3186040.
Genomic context (GRCh38, chr5:1,409,113, plus strand): 5'-CGATGAGCACTCCAAAGAGGATGGACGTGCCGGCTGCAAAATGGTCCAGGAGCGTGAAGA[C>T]GTAGATGCCACCCTGGAAGAGAGGGGAGCCTGTGGACCTACAGAAGGGCTTTCCCCAGAG-3'
Protein context (NP_001035.1, residues 461-481): LFCVTNGGIY[Val471Ile]FTLLDHFAAG